The following is an entry in ClinVar:

NM_001972.4(ELANE):c.85G>A (p.Glu29Lys)

Gene: ELANE (elastase, neutrophil expressed; plus strand). Cytogenetic location: 19p13.3.
Variant type: single nucleotide variant.
Coding change: c.85G>A on transcript NM_001972.4 (MANE Select); coding-DNA position 85, G replaced by A.
Protein change: p.Glu29Lys; replaces glutamic acid 29 with lysine.
Molecular consequence: missense variant.
Genome position (GRCh38, 1-based): chr19:852,893, G>A. VCF-style: chr19-852893-G-A. GRCh37 (hg19) VCF-style: chr19-852893-G-A.
Other names: short protein forms E29K.
Identifiers: ClinVar variation 2929886 (VCV002929886.4), dbSNP rs2035615523, ClinGen allele CA402914325.

ClinVar aggregate classification (germline): Uncertain significance. Review status: criteria provided, multiple submitters, no conflicts (2 of 4 stars). 2 submissions from 2 submitters: Uncertain significance (2). Last evaluated 2025-04-28.

Conditions:
Inborn genetic diseases. Identifiers: MedGen C0950123, MeSH D030342.
Neutropenia, severe congenital, 1, autosomal dominant. Identifiers: MedGen C1859966, MONDO:0042490, OMIM 202700.
Cyclical neutropenia. Also called: Cyclic Neutropenia; Cyclic hematopoiesis. Identifiers: Orphanet 2686, MedGen C0221023, MONDO:0008090, OMIM 162800, HP:0040289. Disease mechanism: loss of function.

Allele frequency attached by ClinVar (database versions not stated): gnomAD exomes below 0.00001; gnomAD 0.00001.

Submissions (2):

Ambry Genetics
Classification: Uncertain significance for Inborn genetic diseases. Last evaluated: 2025-04-28. Review status: criteria provided, single submitter. Criteria: Ambry Variant Classification Scheme 2023. Collection method: clinical testing. Allele origin: germline.
Comment: The p.E29K variant (also known as c.85G>A), located in coding exon 2 of the ELANE gene, results from a G to A substitution at nucleotide position 85. The glutamic acid at codon 29 is replaced by lysine, an amino acid with similar properties. This amino acid position is conserved. In addition, the in silico prediction for this alteration is inconclusive. Based on the available evidence, the clinical significance of this variant remains unclear.

Labcorp Genetics (formerly Invitae), Labcorp
Classification: Uncertain significance for Neutropenia, severe congenital, 1, autosomal dominant; Cyclical neutropenia. Last evaluated: 2024-04-02. Review status: criteria provided, single submitter. Criteria: Invitae Variant Classification Sherloc (09022015). Collection method: clinical testing. Allele origin: germline.
Comment: This sequence change replaces glutamic acid, which is acidic and polar, with lysine, which is basic and polar, at codon 29 of the ELANE protein (p.Glu29Lys). This variant is not present in population databases (gnomAD no frequency). This variant has not been reported in the literature in individuals affected with ELANE-related conditions. Advanced modeling of protein sequence and biophysical properties (such as structural, functional, and spatial information, amino acid conservation, physicochemical variation, residue mobility, and thermodynamic stability) performed at Invitae indicates that this missense variant is not expected to disrupt ELANE protein function with a negative predictive value of 80%. In summary, the available evidence is currently insufficient to determine the role of this variant in disease. Therefore, it has been classified as a Variant of Uncertain Significance.